The following is an entry in ClinVar:

ClinVar aggregate classification (germline): Likely benign. Review status: reviewed by expert panel (3 of 4 stars). 3 submissions from 3 submitters: Likely benign (1). 2 of the submissions do not count toward it. Last evaluated 2017-06-29.

Conditions:
Hereditary cancer-predisposing syndrome. Also called: Hereditary neoplastic syndrome; Hereditary Cancer Syndrome; Neoplastic Syndromes, Hereditary; Tumor predisposition. Identifiers: Orphanet 140162, MedGen C0027672, MeSH D009386, MONDO:0015356.
Breast-ovarian cancer, familial, susceptibility to, 2 (BROVCA2). Also called: BRCA2 Hereditary Breast and Ovarian Cancer. Identifiers: Orphanet 145, MedGen C2675520, MONDO:0012933, OMIM 612555. Disease mechanism: loss of function.

Submissions (3):

Evidence-based Network for the Interpretation of Germline Mutant Alleles (ENIGMA)
Classification: Likely benign for Breast-ovarian cancer, familial, susceptibility to, 2. Last evaluated: 2017-06-29. Review status: reviewed by expert panel. Criteria: ENIGMA BRCA1/2 Classification Criteria (2017-06-29). Collection method: curation. Allele origin: germline.
Comment: Synonymous substitution variant, with low bioinformatic likelihood to result in a splicing aberration (Splicing prior probability 0.02).

Ambry Genetics
Classification: Likely benign for Hereditary cancer-predisposing syndrome. Last evaluated: 2025-06-24. Review status: criteria provided, single submitter. Criteria: Ambry Variant Classification Scheme 2023. Collection method: clinical testing. Allele origin: germline. Not counted in ClinVar's aggregate classification.

Center for Genomic Medicine, Rigshospitalet, Copenhagen University Hospital
Classification: Likely benign. Last evaluated: 2025-03-04. Review status: criteria provided, single submitter. Criteria: ACMG Guidelines, 2015. Collection method: clinical testing. Allele origin: germline. Not counted in ClinVar's aggregate classification.

NM_000059.4(BRCA2):c.8460A>G (p.Val2820=)

Gene: BRCA2 (BRCA2 DNA repair associated; plus strand). Cytogenetic location: 13q13.1.
Variant type: single nucleotide variant.
Coding change: c.8460A>G on transcript NM_000059.4 (MANE Select); coding-DNA position 8460, A replaced by G.
Protein change: p.Val2820=; no amino-acid change (valine 2820 retained).
Molecular consequence: synonymous variant.
Genome position (GRCh38, 1-based): chr13:32,370,530, A>G. VCF-style: chr13-32370530-A-G. GRCh37 (hg19) VCF-style: chr13-32944667-A-G.
Identifiers: ClinVar variation 427397 (VCV000427397.11), dbSNP rs9590940, ClinGen allele CA483261277.